The following is an entry in ClinVar:

NM_000243.3(MEFV):c.182A>G (p.Tyr61Cys)

Gene: MEFV (MEFV innate immunity regulator, pyrin; minus strand). Cytogenetic location: 16p13.3.
Variant type: single nucleotide variant.
Coding change: c.182A>G on transcript NM_000243.3 (MANE Select); coding-DNA position 182, A replaced by G.
Protein change: p.Tyr61Cys; replaces tyrosine 61 with cysteine.
Molecular consequence: missense variant.
Genome position (GRCh38, 1-based): chr16:3,256,406, T>C on the plus strand (A>G on the coding strand, the complement: MEFV is on the minus strand). VCF-style: chr16-3256406-T-C. GRCh37 (hg19) VCF-style: chr16-3306406-T-C.
Other names: c.182A>G, p.Tyr61Cys (NM_001198536.2); short protein forms Y61C.
Identifiers: ClinVar variation 2183201 (VCV002183201.3), dbSNP rs755200391, ClinGen allele CA276904447.

ClinVar aggregate classification (germline): Uncertain significance (1 of 4 stars; one submission).

Conditions:
Familial Mediterranean fever (FMF). Also called: POLYSEROSITIS, FAMILIAL PAROXYSMAL; POLYSEROSITIS, RECURRENT; Periodic peritonitis; Benign paroxysmal peritonitis. Identifiers: Orphanet 342, MedGen C0031069, MONDO:0018088, OMIM 249100. Disease mechanism: gain of function.

Allele frequency attached by ClinVar (database versions not stated): gnomAD 0.00001; TOPMed 0.00001.

Submission:

Labcorp Genetics (formerly Invitae), Labcorp
Classification: Uncertain significance for Familial Mediterranean fever. Last evaluated: 2022-08-16. Review status: criteria provided, single submitter. Criteria: Invitae Variant Classification Sherloc (09022015). Collection method: clinical testing. Allele origin: germline.
Comment: In summary, the available evidence is currently insufficient to determine the role of this variant in disease. Therefore, it has been classified as a Variant of Uncertain Significance. Algorithms developed to predict the effect of missense changes on protein structure and function are either unavailable or do not agree on the potential impact of this missense change (SIFT: "Deleterious"; PolyPhen-2: "Probably Damaging"; Align-GVGD: "Class C0"). This variant has not been reported in the literature in individuals affected with MEFV-related conditions. This variant is present in population databases (no rsID available, gnomAD 0.0009%). This sequence change replaces tyrosine, which is neutral and polar, with cysteine, which is neutral and slightly polar, at codon 61 of the MEFV protein (p.Tyr61Cys).